The following is an entry in ClinVar:

ClinVar aggregate classification (germline): Uncertain significance (1 of 4 stars; one submission).

Conditions:
Epileptic encephalopathy. Identifiers: MedGen C0543888, HP:0200134.

Allele frequency attached by ClinVar (database versions not stated): ExAC 0.00003; gnomAD 0.00003; gnomAD exomes 0.00003; TOPMed 0.00004.
gnomAD v4.1: 24 of 1,609,298 alleles (0.0015%); highest among the groups gnomAD compares: Admixed American, 0.0067%; no homozygotes.

Submission:

Labcorp Genetics (formerly Invitae), Labcorp
Classification: Uncertain significance for Epileptic encephalopathy. Last evaluated: 2025-10-29. Review status: criteria provided, single submitter. Criteria: Invitae Variant Classification Sherloc (09022015). Collection method: clinical testing. Allele origin: germline.
Comment: This sequence change replaces arginine, which is basic and polar, with tryptophan, which is neutral and slightly polar, at codon 2049 of the FASN protein (p.Arg2049Trp). This variant is present in population databases (rs774467499, gnomAD 0.009%). This variant has not been reported in the literature in individuals affected with FASN-related conditions. ClinVar contains an entry for this variant (Variation ID: 566265). An algorithm developed to predict the effect of missense changes on protein structure and function (PolyPhen-2) suggests that this variant is likely to be disruptive. In summary, the available evidence is currently insufficient to determine the role of this variant in disease. Therefore, it has been classified as a Variant of Uncertain Significance.

NM_004104.5(FASN):c.6145C>T (p.Arg2049Trp)

Gene: FASN (fatty acid synthase; minus strand). Cytogenetic location: 17q25.3.
Variant type: single nucleotide variant.
Coding change: c.6145C>T on transcript NM_004104.5 (MANE Select); coding-DNA position 6145, C replaced by T.
Protein change: p.Arg2049Trp; replaces arginine 2049 with tryptophan.
Molecular consequence: missense variant.
Genome position (GRCh38, 1-based): chr17:82,082,027, G>A on the plus strand (C>T on the coding strand, the complement: FASN is on the minus strand). VCF-style: chr17-82082027-G-A. GRCh37 (hg19) VCF-style: chr17-80039903-G-A.
Other names: short protein forms R2049W.
Identifiers: ClinVar variation 566265 (VCV000566265.9), dbSNP rs774467499, ClinGen allele CA8851424.